The following is an entry in ClinVar:

NM_014365.3(HSPB8):c.446T>C (p.Val149Ala)

Gene: HSPB8 (heat shock protein family B (small) member 8; plus strand). Cytogenetic location: 12q24.23.
Variant type: single nucleotide variant.
Coding change: c.446T>C on transcript NM_014365.3 (MANE Select); coding-DNA position 446, T replaced by C.
Protein change: p.Val149Ala; replaces valine 149 with alanine.
Molecular consequence: missense variant.
Genome position (GRCh38, 1-based): chr12:119,193,713, T>C. VCF-style: chr12-119193713-T-C. GRCh37 (hg19) VCF-style: chr12-119631518-T-C.
Other names: short protein forms V149A.
Identifiers: ClinVar variation 1683878 (VCV001683878.2), dbSNP rs1446288467, ClinGen allele CA386531799.
Genomic context (GRCh38, chr12:119,193,713, plus strand): 5'-GCAATATTAACAACAATAAATGAATAAAATCGTGTGTTTCTCCTAGGCTTCCTGCAGAGG[T>C]GGATCCTGTGACAGTATTTGCCTCACTTTCCCCAGAGGGTCTGCTGATCATCGAAGCTCC-3'
Protein context (NP_055180.1, residues 139-159): FTKKIQLPAE[Val149Ala]DPVTVFASLS

ClinVar aggregate classification (germline): Uncertain significance (1 of 4 stars; one submission).

Allele frequency attached by ClinVar (database versions not stated): gnomAD exomes below 0.00001.
gnomAD v4.1: 1 of 1,614,170 alleles (0.000062%); highest among the groups gnomAD compares: Non-Finnish European, 0.000085%; no homozygotes.

Submission:

GeneDx
Classification: Uncertain significance. Last evaluated: 2021-10-26. Review status: criteria provided, single submitter. Criteria: GeneDx Variant Classification Process June 2021. Collection method: clinical testing. Allele origin: germline. Affected: yes.
Comment: In silico analysis supports that this missense variant has a deleterious effect on protein structure/function; Has not been previously published as pathogenic or benign to our knowledge